The following is an entry in ClinVar:

ClinVar aggregate classification (germline): Uncertain significance. Review status: criteria provided, multiple submitters, no conflicts (2 of 4 stars). 2 submissions from 2 submitters: Uncertain significance (2). Last evaluated 2022-05-31.

Conditions:
Inborn genetic diseases. Identifiers: MedGen C0950123, MeSH D030342.

Allele frequency attached by ClinVar (database versions not stated): 1000 Genomes Project 30x 0.00016; 1000 Genomes Project 0.00020; ESP Exome Variant Server 0.00031; ExAC 0.00040; gnomAD 0.00050; gnomAD exomes 0.00050.
gnomAD v4.1: 788 of 1,601,132 alleles (0.049%); highest among the groups gnomAD compares: Middle Eastern, 0.1%; 2 homozygotes.

Submissions (2):

Labcorp Genetics (formerly Invitae), Labcorp
Classification: Uncertain significance. Last evaluated: 2022-05-31. Review status: criteria provided, single submitter. Criteria: Invitae Variant Classification Sherloc (09022015). Collection method: clinical testing. Allele origin: germline.
Comment: This sequence change replaces isoleucine, which is neutral and non-polar, with methionine, which is neutral and non-polar, at codon 491 of the AASS protein (p.Ile491Met). This variant is present in population databases (rs147394896, gnomAD 0.07%). This variant has not been reported in the literature in individuals affected with AASS-related conditions. Algorithms developed to predict the effect of missense changes on protein structure and function are either unavailable or do not agree on the potential impact of this missense change (SIFT: "Deleterious"; PolyPhen-2: "Benign"; Align-GVGD: "Class C0"). In summary, the available evidence is currently insufficient to determine the role of this variant in disease. Therefore, it has been classified as a Variant of Uncertain Significance.

Ambry Genetics
Classification: Uncertain significance for Inborn genetic diseases. Last evaluated: 2021-03-24. Review status: criteria provided, single submitter. Criteria: Ambry Variant Classification Scheme 2023. Collection method: clinical testing. Allele origin: germline.
Comment: The c.1473A>G (p.I491M) alteration is located in exon 14 (coding exon 13) of the AASS gene. This alteration results from a A to G substitution at nucleotide position 1473, causing the isoleucine (I) at amino acid position 491 to be replaced by a methionine (M). The p.I491M alteration is predicted to be tolerated by in silico analysis. Based on insufficient or conflicting evidence, the clinical significance of this alteration remains unclear.

NM_005763.4(AASS):c.1473A>G (p.Ile491Met)

Gene: AASS (aminoadipate-semialdehyde synthase; minus strand). Cytogenetic location: 7q31.32.
Variant type: single nucleotide variant.
Coding change: c.1473A>G on transcript NM_005763.4 (MANE Select); coding-DNA position 1473, A replaced by G.
Protein change: p.Ile491Met; replaces isoleucine 491 with methionine.
Molecular consequence: missense variant.
Genome position (GRCh38, 1-based): chr7:122,098,800, T>C on the plus strand (A>G on the coding strand, the complement: AASS is on the minus strand). VCF-style: chr7-122098800-T-C. GRCh37 (hg19) VCF-style: chr7-121738854-T-C.
Other names: c.1473A>G (NM_005763.3); short protein forms I491M.
Identifiers: ClinVar variation 2059849 (VCV002059849.2), dbSNP rs147394896, ClinGen allele CA4458320.